The following is an entry in ClinVar:

ClinVar aggregate classification (germline): Uncertain significance (1 of 4 stars; one submission).

gnomAD v4.1: 3 of 1,609,514 alleles (0.00019%); highest among the groups gnomAD compares: Non-Finnish European, 0.00025%; no homozygotes.

Submission:

Labcorp Genetics (formerly Invitae), Labcorp
Classification: Uncertain significance. Last evaluated: 2022-08-17. Review status: criteria provided, single submitter. Criteria: Invitae Variant Classification Sherloc (09022015). Collection method: clinical testing. Allele origin: germline.
Comment: This sequence change replaces proline, which is neutral and non-polar, with alanine, which is neutral and non-polar, at codon 311 of the TPRN protein (p.Pro311Ala). This variant is present in population databases (rs779894755, gnomAD 0.001%). This variant has not been reported in the literature in individuals affected with TPRN-related conditions. Algorithms developed to predict the effect of missense changes on protein structure and function are either unavailable or do not agree on the potential impact of this missense change (SIFT: "Deleterious"; PolyPhen-2: "Probably Damaging"; Align-GVGD: "Class C0"). In summary, the available evidence is currently insufficient to determine the role of this variant in disease. Therefore, it has been classified as a Variant of Uncertain Significance.

NM_001128228.3(TPRN):c.931C>G (p.Pro311Ala)

Gene: TPRN (taperin; minus strand). Cytogenetic location: 9q34.3.
Variant type: single nucleotide variant.
Coding change: c.931C>G on transcript NM_001128228.3 (MANE Select); coding-DNA position 931, C replaced by G.
Protein change: p.Pro311Ala; replaces proline 311 with alanine.
Molecular consequence: missense variant.
Genome position (GRCh38, 1-based): chr9:137,199,781, G>C on the plus strand (C>G on the coding strand, the complement: TPRN is on the minus strand). VCF-style: chr9-137199781-G-C. GRCh37 (hg19) VCF-style: chr9-140094233-G-C.
Other names: short protein forms P311A.
Identifiers: ClinVar variation 2125176 (VCV002125176.4), dbSNP rs779894755, ClinGen allele CA5362858.